The following is an entry in ClinVar:

NM_006294.5(UQCRB):c.242G>A (p.Trp81Ter)

Gene: UQCRB (ubiquinol-cytochrome c reductase binding protein; minus strand). Cytogenetic location: 8q22.1.
Variant type: single nucleotide variant.
Coding change: c.242G>A on transcript NM_006294.5 (MANE Select); coding-DNA position 242, G replaced by A.
Protein change: p.Trp81Ter; replaces tryptophan 81 with a stop codon.
Molecular consequence: nonsense. On other transcripts: non-coding transcript variant (1).
Genome position (GRCh38, 1-based): chr8:96,231,790, C>T on the plus strand (G>A on the coding strand, the complement: UQCRB is on the minus strand). VCF-style: chr8-96231790-C-T. GRCh37 (hg19) VCF-style: chr8-97244018-C-T.
Other names: c.146G>A, p.Trp49Ter (NM_001199975.3); c.242G>A, p.Trp81Ter (NM_001254752.2); short protein forms W81*, W49*.
Identifiers: ClinVar variation 2809830 (VCV002809830.3), dbSNP rs2487957381, ClinGen allele CA371755871.

ClinVar aggregate classification (germline): Uncertain significance (1 of 4 stars; one submission).

Allele frequency attached by ClinVar (database versions not stated): gnomAD exomes 0.00001.
gnomAD v4.1: 9 of 1,614,144 alleles (0.00056%); highest among the groups gnomAD compares: Non-Finnish European, 0.00076%; no homozygotes.

Submission:

Labcorp Genetics (formerly Invitae), Labcorp
Classification: Uncertain significance. Last evaluated: 2023-10-17. Review status: criteria provided, single submitter. Criteria: Invitae Variant Classification Sherloc (09022015). Collection method: clinical testing. Allele origin: germline.
Comment: This sequence change creates a premature translational stop signal (p.Trp81*) in the UQCRB gene. While this is not anticipated to result in nonsense mediated decay, it is expected to disrupt the last 31 amino acid(s) of the UQCRB protein. This variant is not present in population databases (gnomAD no frequency). This variant has not been reported in the literature in individuals affected with UQCRB-related conditions. In summary, the available evidence is currently insufficient to determine the role of this variant in disease. Therefore, it has been classified as a Variant of Uncertain Significance.